The following is an entry in ClinVar:

ClinVar aggregate classification (germline): Likely pathogenic. Review status: criteria provided, single submitter (1 of 4 stars). 2 submissions from 2 submitters: Likely pathogenic (1). 1 of the submissions does not count toward it. Last evaluated 2024-12-18.

Conditions:
Brittle cornea syndrome 2 (BCS2). Identifiers: Orphanet 90354, MedGen C3280011, MONDO:0013605, OMIM 614170.

Allele frequency attached by ClinVar (database versions not stated): gnomAD exomes 0.00001; gnomAD 0.00002; TOPMed 0.00002.
gnomAD v4.1: 22 of 1,613,880 alleles (0.0014%); highest among the groups gnomAD compares: African/African-American, 0.0027%; no homozygotes.

Submissions (2):

Women's Health and Genetics/Laboratory Corporation of America, LabCorp
Classification: Likely pathogenic for Brittle cornea syndrome 2. Last evaluated: 2024-12-18. Review status: criteria provided, single submitter. Criteria: LabCorp Variant Classification Summary - May 2015. Collection method: clinical testing. Allele origin: germline.
Comment: Variant summary: PRDM5 c.320A>G (p.Tyr107Cys) results in a non-conservative amino acid change in the encoded protein sequence. Four of five in-silico tools predict a damaging effect of the variant on protein function. The variant allele was found at a frequency of 8e-06 in 251180 control chromosomes. c.320A>G has been reported in the literature in the homozygous state in one family with two individuals affected with Brittle cornea syndrome 2 (Burkitt Wright_2011). These data indicate that the variant is likely to be associated with disease. To our knowledge, no experimental evidence demonstrating an impact on protein function has been reported. The following publication have been ascertained in the context of this evaluation (PMID: 21664999). ClinVar contains an entry for this variant (Variation ID: 31113). Based on the evidence outlined above, the variant was classified as likely pathogenic.

OMIM
Classification: Pathogenic for BRITTLE CORNEA SYNDROME 2. Last evaluated: 2011-06-10. Review status: no assertion criteria provided. Collection method: literature only. Allele origin: germline. Not counted in ClinVar's aggregate classification.

Literature cited by the submitters: PubMed 21664999 (cited by Women's Health and Genetics/Laboratory Corporation of America, LabCorp and OMIM); PubMed 8458232 (cited by OMIM).

NM_018699.4(PRDM5):c.320A>G (p.Tyr107Cys)

Gene: PRDM5 (PR/SET domain 5; minus strand). Cytogenetic location: 4q27.
Variant type: single nucleotide variant.
Coding change: c.320A>G on transcript NM_018699.4 (MANE Select); coding-DNA position 320, A replaced by G.
Protein change: p.Tyr107Cys; replaces tyrosine 107 with cysteine.
Molecular consequence: missense variant.
Genome position (GRCh38, 1-based): chr4:120,821,326, T>C on the plus strand (A>G on the coding strand, the complement: PRDM5 is on the minus strand). VCF-style: chr4-120821326-T-C. GRCh37 (hg19) VCF-style: chr4-121742481-T-C.
Other names: c.320A>G, p.Tyr107Cys (NM_001300823.2, NM_001300824.2, NM_001379104.1 and 1 more transcripts); short protein forms Y107C.
Identifiers: ClinVar variation 31113 (VCV000031113.2), dbSNP rs387907111, ClinGen allele CA129680.